The following is an entry in ClinVar:

NM_006231.4(POLE):c.2468G>T (p.Gly823Val)

Gene: POLE (DNA polymerase epsilon, catalytic subunit; minus strand). Cytogenetic location: 12q24.33.
Variant type: single nucleotide variant.
Coding change: c.2468G>T on transcript NM_006231.4 (MANE Select); coding-DNA position 2468, G replaced by T.
Protein change: p.Gly823Val; replaces glycine 823 with valine.
Molecular consequence: missense variant.
Genome position (GRCh38, 1-based): chr12:132,665,302, C>A on the plus strand (G>T on the coding strand, the complement: POLE is on the minus strand). VCF-style: chr12-132665302-C-A. GRCh37 (hg19) VCF-style: chr12-133241888-C-A.
Other names: short protein forms G823V.
Identifiers: ClinVar variation 4764407 (VCV004764407.1).
Genomic context (GRCh38, chr12:132,665,302, plus strand): 5'-CCCTAAACGTGGACTCATCCATTCCTCCCATAAGCCTCTCCCGGGCCCGGGCCCACCTAC[C>A]CCTTGCGCATGACATAGCCATAGAAGGAGTTCAGGATGCACTTGTGGGCCAGCTGCAGCG-3'
Protein context (NP_006222.2, residues 813-833): NSFYGYVMRK[Gly823Val]ARWYSMEMAG

ClinVar aggregate classification (germline): Uncertain significance (1 of 4 stars; one submission).

Submission:

Labcorp Genetics (formerly Invitae), Labcorp
Classification: Uncertain significance. Last evaluated: 2025-07-03. Review status: criteria provided, single submitter. Criteria: Invitae Variant Classification Sherloc (09022015). Collection method: clinical testing. Allele origin: germline.
Comment: This sequence change replaces glycine, which is neutral and non-polar, with valine, which is neutral and non-polar, at codon 823 of the POLE protein (p.Gly823Val). This variant also falls at the last nucleotide of exon 21, which is part of the consensus splice site for this exon. This variant is not present in population databases (gnomAD no frequency). This variant has not been reported in the literature in individuals affected with POLE-related conditions. An algorithm developed to predict the effect of missense changes on protein structure and function (PolyPhen-2) suggests that this variant is likely to be disruptive. Variants that disrupt the consensus splice site are a relatively common cause of aberrant splicing (PMID: 17576681, 9536098). Algorithms developed to predict the effect of sequence changes on RNA splicing suggest that this variant may disrupt the consensus splice site. In summary, the available evidence is currently insufficient to determine the role of this variant in disease. Therefore, it has been classified as a Variant of Uncertain Significance.

Literature cited by the submitters: PubMed 17576681; PubMed 9536098.